The following is an entry in ClinVar:

NM_014055.4(IFT81):c.752G>A (p.Arg251His)

Gene: IFT81 (intraflagellar transport 81; plus strand). Cytogenetic location: 12q24.11.
Variant type: single nucleotide variant.
Coding change: c.752G>A on transcript NM_014055.4 (MANE Select); coding-DNA position 752, G replaced by A.
Protein change: p.Arg251His; replaces arginine 251 with histidine.
Molecular consequence: missense variant. On other transcripts: 5 prime UTR variant (2), non-coding transcript variant (4).
Genome position (GRCh38, 1-based): chr12:110,136,831, G>A. VCF-style: chr12-110136831-G-A. GRCh37 (hg19) VCF-style: chr12-110574636-G-A.
Other names: c.752G>A, p.Arg251His (NM_001143779.2, NM_001347946.2, NM_031473.4); c.-15G>A (NM_001347947.2, NM_001347948.2); short protein forms R251H.
Identifiers: ClinVar variation 1387675 (VCV001387675.3), dbSNP rs371719981, ClinGen allele CA243925363.

ClinVar aggregate classification (germline): Uncertain significance (1 of 4 stars; one submission).

Allele frequency attached by ClinVar (database versions not stated): gnomAD exomes 0.00001.
gnomAD v4.1: 21 of 1,611,650 alleles (0.0013%); highest among the groups gnomAD compares: South Asian, 0.0022%; no homozygotes.

Submission:

Labcorp Genetics (formerly Invitae), Labcorp
Classification: Uncertain significance. Last evaluated: 2022-07-27. Review status: criteria provided, single submitter. Criteria: Invitae Variant Classification Sherloc (09022015). Collection method: clinical testing. Allele origin: germline.
Comment: This sequence change replaces arginine, which is basic and polar, with histidine, which is basic and polar, at codon 251 of the IFT81 protein (p.Arg251His). The frequency data for this variant in the population databases is considered unreliable, as metrics indicate poor data quality at this position in the gnomAD database. This variant has not been reported in the literature in individuals affected with IFT81-related conditions. ClinVar contains an entry for this variant (Variation ID: 1387675). Algorithms developed to predict the effect of missense changes on protein structure and function output the following: SIFT: "Deleterious"; PolyPhen-2: "Benign"; Align-GVGD: "Class C0". The histidine amino acid residue is found in multiple mammalian species, which suggests that this missense change does not adversely affect protein function. In summary, the available evidence is currently insufficient to determine the role of this variant in disease. Therefore, it has been classified as a Variant of Uncertain Significance.